The following is an entry in ClinVar:

NM_014249.4(NR2E3):c.1023C>A (p.His341Gln)

Gene: NR2E3 (nuclear receptor subfamily 2 group E member 3; plus strand). Cytogenetic location: 15q23.
Variant type: single nucleotide variant.
Coding change: c.1023C>A on transcript NM_014249.4 (MANE Select); coding-DNA position 1023, C replaced by A.
Protein change: p.His341Gln; replaces histidine 341 with glutamine.
Molecular consequence: missense variant.
Genome position (GRCh38, 1-based): chr15:71,814,040, C>A. VCF-style: chr15-71814040-C-A. GRCh37 (hg19) VCF-style: chr15-72106381-C-A.
Other names: c.1023C>A, p.His341Gln (NM_016346.4); short protein forms H341Q.
Identifiers: ClinVar variation 1721557 (VCV001721557.5), dbSNP rs200402349, ClinGen allele CA393039245.

ClinVar aggregate classification (germline): Uncertain significance (1 of 4 stars; one submission).

Submission:

Labcorp Genetics (formerly Invitae), Labcorp
Classification: Uncertain significance. Last evaluated: 2022-10-13. Review status: criteria provided, single submitter. Criteria: Invitae Variant Classification Sherloc (09022015). Collection method: clinical testing. Allele origin: germline.
Comment: In summary, the available evidence is currently insufficient to determine the role of this variant in disease. Therefore, it has been classified as a Variant of Uncertain Significance. Advanced modeling of protein sequence and biophysical properties (such as structural, functional, and spatial information, amino acid conservation, physicochemical variation, residue mobility, and thermodynamic stability) performed at Invitae indicates that this missense variant is not expected to disrupt NR2E3 protein function. This variant has not been reported in the literature in individuals affected with NR2E3-related conditions. This variant is not present in population databases (gnomAD no frequency). This sequence change replaces histidine, which is basic and polar, with glutamine, which is neutral and polar, at codon 341 of the NR2E3 protein (p.His341Gln).